The following is an entry in ClinVar:

NM_014795.4(ZEB2):c.1434C>A (p.Cys478Ter)

Gene: ZEB2 (zinc finger E-box binding homeobox 2; minus strand). Cytogenetic location: 2q22.3.
Variant type: single nucleotide variant.
Coding change: c.1434C>A on transcript NM_014795.4 (MANE Select); coding-DNA position 1434, C replaced by A.
Protein change: p.Cys478Ter; replaces cysteine 478 with a stop codon.
Molecular consequence: nonsense.
Genome position (GRCh38, 1-based): chr2:144,399,753, G>T on the plus strand (C>A on the coding strand, the complement: ZEB2 is on the minus strand). VCF-style: chr2-144399753-G-T. GRCh37 (hg19) VCF-style: chr2-145157320-G-T.
Other names: c.1362C>A, p.Cys454Ter (NM_001171653.2); short protein forms C478*, C454*.
Identifiers: ClinVar variation 846691 (VCV000846691.1), dbSNP rs756778602, ClinGen allele CA348711854.

ClinVar aggregate classification (germline): Pathogenic (1 of 4 stars; one submission).

Conditions:
Mowat-Wilson syndrome (MOWS). Also called: Classic Mowat-Wilson Syndrome. Identifiers: Orphanet 2152, MedGen C1856113, MONDO:0009341, OMIM 235730.

Submission:

Labcorp Genetics (formerly Invitae), Labcorp
Classification: Pathogenic for Mowat-Wilson syndrome. Last evaluated: 2019-12-02. Review status: criteria provided, single submitter. Criteria: Invitae Variant Classification Sherloc (09022015). Collection method: clinical testing. Allele origin: germline.
Comment: This sequence change creates a premature translational stop signal (p.Cys478*) in the ZEB2 gene. It is expected to result in an absent or disrupted protein product. This variant is not present in population databases (ExAC no frequency). This variant has not been reported in the literature in individuals with ZEB2-related conditions. Loss-of-function variants in ZEB2 are known to be pathogenic (PMID: 16053902). For these reasons, this variant has been classified as Pathogenic.